The following is an entry in ClinVar:

ClinVar aggregate classification (germline): Uncertain significance (1 of 4 stars; one submission).

Conditions:
Cohen syndrome (COH1). Also called: PEPPER SYNDROME; Cutis verticis gyrata, retinitis pigmentosa, and sensorineural deafness. Identifiers: Orphanet 193, MedGen C0265223, MONDO:0008999, OMIM 216550.

Allele frequency attached by ClinVar (database versions not stated): gnomAD exomes below 0.00001.
gnomAD v4.1: 2 of 1,613,688 alleles (0.00012%); highest among the groups gnomAD compares: Non-Finnish European, 0.00017%; no homozygotes.

Submission:

Labcorp Genetics (formerly Invitae), Labcorp
Classification: Uncertain significance for Cohen syndrome. Last evaluated: 2025-04-21. Review status: criteria provided, single submitter. Criteria: Invitae Variant Classification Sherloc (09022015). Collection method: clinical testing. Allele origin: germline.
Comment: This sequence change replaces glutamine with arginine at codon 1074 of the VPS13B protein (p.Gln1074Arg). The glutamine residue is moderately conserved and there is a small physicochemical difference between glutamine and arginine. This variant is present in population databases (no rsID available, gnomAD 0.0009%). This variant has not been reported in the literature in individuals affected with VPS13B-related conditions. ClinVar contains an entry for this variant (Variation ID: 1524367). Invitae Evidence Modeling of protein sequence and biophysical properties (such as structural, functional, and spatial information, amino acid conservation, physicochemical variation, residue mobility, and thermodynamic stability) indicates that this missense variant is expected to disrupt VPS13B protein function with a positive predictive value of 80%. In summary, the available evidence is currently insufficient to determine the role of this variant in disease. Therefore, it has been classified as a Variant of Uncertain Significance.

NM_152564.5(VPS13B):c.3221A>G (p.Gln1074Arg)

Gene: VPS13B (vacuolar protein sorting 13 homolog B; plus strand). Cytogenetic location: 8q22.2.
Variant type: single nucleotide variant.
Coding change: c.3221A>G on transcript NM_152564.5 (MANE Select); coding-DNA position 3221, A replaced by G.
Protein change: p.Gln1074Arg; replaces glutamine 1074 with arginine.
Molecular consequence: missense variant.
Genome position (GRCh38, 1-based): chr8:99,442,411, A>G. VCF-style: chr8-99442411-A-G. GRCh37 (hg19) VCF-style: chr8-100454639-A-G.
Other names: c.3221A>G, p.Gln1074Arg (NM_017890.5); short protein forms Q1074R.
Identifiers: ClinVar variation 1524367 (VCV001524367.6), dbSNP rs1348314962, ClinGen allele CA371870347.
Genomic context (GRCh38, chr8:99,442,411, plus strand): 5'-AGGCATATTTAGTCTAATCCGAATATTTTAATTCTGCTTTTCTTTTCTAGCTTGAAGTAC[A>G]ATCTTGTTGTGTGTTTATTCCAAATGATAGCCTGCCTTCCCCAAGTACAATTGTATCTGG-3'
Protein context (NP_689777.3, residues 1064-1084): VKHLTLQLEV[Gln1074Arg]SCCVFIPNDS